The following is an entry in ClinVar:

ClinVar aggregate classification (germline): Likely benign. Review status: criteria provided, multiple submitters, no conflicts (2 of 4 stars). 3 submissions from 3 submitters: Likely benign (3). Last evaluated 2025-03-13.

Conditions:
Desmin-related myofibrillar myopathy (MFM1). Also called: Desmin related myopathy (former name); Desmin storage myopathy (former name); Desminopathy; Myofibrillar myopathy 1; MYOFIBRILLAR MYOPATHY WITH ARRHYTHMOGENIC RIGHT VENTRICULAR CARDIOMYOPATHY; DESMIN-RELATED MYOPATHY WITH ARRHYTHMOGENIC RIGHT VENTRICULAR CARDIOMYOPATHY. Identifiers: Orphanet 363543, Orphanet 98909, MedGen C1832370, MONDO:0011076, OMIM 601419.
Cardiovascular phenotype. Identifiers: MedGen CN230736.

Allele frequency attached by ClinVar (database versions not stated): gnomAD exomes below 0.00001.
gnomAD v4.1: 2 of 1,614,086 alleles (0.00012%); highest among the groups gnomAD compares: Non-Finnish European, 0.00017%; no homozygotes.

Submissions (3):

Ambry Genetics
Classification: Likely benign for Cardiovascular phenotype. Last evaluated: 2025-03-13. Review status: criteria provided, single submitter. Criteria: Ambry Variant Classification Scheme 2023. Collection method: clinical testing. Allele origin: germline.

Labcorp Genetics (formerly Invitae), Labcorp
Classification: Likely benign for Desmin-related myofibrillar myopathy. Last evaluated: 2024-02-23. Review status: criteria provided, single submitter. Criteria: Invitae Variant Classification Sherloc (09022015). Collection method: clinical testing. Allele origin: germline.

GeneDx
Classification: Likely benign. Last evaluated: 2017-06-22. Review status: criteria provided, single submitter. Criteria: GeneDx Variant Classification (06012015). Collection method: clinical testing. Allele origin: germline. Affected: yes.
Comment: This variant is considered likely benign or benign based on one or more of the following criteria: it is a conservative change, it occurs at a poorly conserved position in the protein, it is predicted to be benign by multiple in silico algorithms, and/or has population frequency not consistent with disease.

NM_001927.4(DES):c.1176C>G (p.Leu392=)

Gene: DES (desmin; plus strand). Cytogenetic location: 2q35.
Variant type: single nucleotide variant.
Coding change: c.1176C>G on transcript NM_001927.4 (MANE Select); coding-DNA position 1176, C replaced by G.
Protein change: p.Leu392=; no amino-acid change (leucine 392 retained).
Molecular consequence: synonymous variant.
Genome position (GRCh38, 1-based): chr2:219,421,492, C>G. VCF-style: chr2-219421492-C-G. GRCh37 (hg19) VCF-style: chr2-220286214-C-G.
Other names: c.1176C>G (LRG_380t1).
Identifiers: ClinVar variation 510494 (VCV000510494.4), dbSNP rs1553603568, ClinGen allele CA431284469.